The following is an entry in ClinVar:

ClinVar aggregate classification (germline): Pathogenic/Likely pathogenic. Review status: criteria provided, multiple submitters, no conflicts (2 of 4 stars). 3 submissions from 3 submitters: Pathogenic (2); Likely pathogenic (1). Last evaluated 2026-06-05.

Conditions:
Ectodermal dysplasia 10A, hypohidrotic/hair/nail type, autosomal dominant (ECTD10A). Also called: Ectodermal Dysplasia 3, Anhidrotic. Identifiers: Orphanet 1810, Orphanet 238468, MedGen C3888065, MONDO:0007509, OMIM 129490.
Autosomal recessive hypohidrotic ectodermal dysplasia syndrome. Also called: Autosomal recessive hypohidrotic ectodermal dysplasia. Identifiers: Orphanet 248, MedGen C0406702, MONDO:0016619.

Allele frequency attached by ClinVar (database versions not stated): gnomAD exomes below 0.00001.
gnomAD v4.1: 1 of 1,613,958 alleles (0.000062%); highest among the groups gnomAD compares: Non-Finnish European, 0.000085%; no homozygotes.

Submissions (3):

Lupski Lab, Baylor-Hopkins CMG, Baylor College of Medicine
Classification: Pathogenic for Ectodermal dysplasia 10A, hypohidrotic/hair/nail type, autosomal dominant. Last evaluated: 2026-06-05. Review status: criteria provided, single submitter. Criteria: ACMG Guidelines, 2015. Collection method: research. Allele origin: paternal, germline. Inheritance: Autosomal dominant inheritance. Affected: yes. Observed: 2 variant alleles, 2 heterozygotes. Clinical features observed: Muscle weakness (HP:0001324), Hypoesthesia (HP:0033748), Paresthesia (HP:0003401), Photophobia (HP:0000613), Dry skin (HP:0000958), Thin skin (HP:0000963), Sparse eyebrow (HP:0045075), Sparse eyelashes (HP:0000653), Fine hair (HP:0002213), Sparse body hair (HP:0002231), Fragile nails (HP:0001808), Concave nail (HP:0001598), and 24 more. Segregation with disease observed.
Comment: This c.1121G>A variant is a null variant in the gene EDAR, where loss-of-function variants are a known mechanism of disease (PVS1_Very Strong= +8pts). This variant is absent in gnomAD genomes and at very low AF in gnomAD exomes, with no homozygous alleles (PM2_Supporting= +1pt). This variant segregates with disease in multiple generations with Ectodermal dysplasia 10A, hypohidrotic/hair/nail type, autosomal dominant (PP1_Supporting= +1pt). 10 pts (PVS1 +8, PM2 +1, PP1 +1).

GeneDx
Classification: Likely pathogenic. Last evaluated: 2025-12-01. Review status: criteria provided, single submitter. Criteria: GeneDx Variant Classification Process June 2021. Collection method: clinical testing. Allele origin: germline. Affected: yes.
Comment: Nonsense variant in the C-terminus predicted to result in protein truncation, as the last 75 amino acids are lost, and other loss-of-function variants have been reported downstream in the Human Gene Mutation Database (HGMD); Not observed at significant frequency in large population cohorts (gnomAD); Has not been previously published as pathogenic or benign to our knowledge; This variant is associated with the following publications: (PMID: 11035039, 20301291, 31245878)

Labcorp Genetics (formerly Invitae), Labcorp
Classification: Pathogenic for Ectodermal dysplasia 10A, hypohidrotic/hair/nail type, autosomal dominant; Autosomal recessive hypohidrotic ectodermal dysplasia syndrome. Last evaluated: 2025-01-27. Review status: criteria provided, single submitter. Criteria: Invitae Variant Classification Sherloc (09022015). Collection method: clinical testing. Allele origin: germline.
Comment: This sequence change creates a premature translational stop signal (p.Trp374*) in the EDAR gene. While this is not anticipated to result in nonsense mediated decay, it is expected to disrupt the last 75 amino acid(s) of the EDAR protein. This variant is not present in population databases (gnomAD no frequency). This premature translational stop signal has been observed in individual(s) with EDAR-related conditions (internal data). ClinVar contains an entry for this variant (Variation ID: 265115). This variant disrupts a region of the EDAR protein in which other variant(s) (p.Phe398*) have been determined to be pathogenic (PMID: 23401279, 24641098). This suggests that this is a clinically significant region of the protein, and that variants that disrupt it are likely to be disease-causing. For these reasons, this variant has been classified as Pathogenic.

Literature cited by the submitters: PubMed 23401279 (cited by Labcorp Genetics (formerly Invitae), Labcorp); PubMed 24641098 (cited by Labcorp Genetics (formerly Invitae), Labcorp).

NM_022336.4(EDAR):c.1121G>A (p.Trp374Ter)

Genes: EDAR (ectodysplasin A receptor; minus strand), RANBP2 (RAN binding protein 2; plus strand). Cytogenetic location: 2q13.
Variant type: single nucleotide variant.
Coding change: c.1121G>A on transcript NM_022336.4 (MANE Select); coding-DNA position 1121, G replaced by A.
Protein change: p.Trp374Ter; replaces tryptophan 374 with a stop codon.
Molecular consequence: nonsense.
Genome position (GRCh38, 1-based): chr2:108,897,133, C>T on the plus strand (G>A on the coding strand, the complement: EDAR is on the minus strand). VCF-style: chr2-108897133-C-T. GRCh37 (hg19) VCF-style: chr2-109513589-C-T.
Other names: short protein forms W374*.
Identifiers: ClinVar variation 265115 (VCV000265115.17), dbSNP rs886039348, ClinGen allele CA10588306.